The following is an entry in ClinVar:

ClinVar aggregate classification (germline): Uncertain significance (1 of 4 stars; one submission).

Conditions:
Charcot-Marie-Tooth disease axonal type 2P. Also called: CHARCOT-MARIE-TOOTH DISEASE, AXONAL, TYPE 2G; CMT 2G; Charcot-Marie-Tooth Neuropathy Type 2G; CHARCOT-MARIE-TOOTH NEUROPATHY, TYPE 2P. Identifiers: Orphanet 300319, Orphanet 99941, MedGen C3280797, MONDO:0013753, OMIM 614436.

Submission:

Labcorp Genetics (formerly Invitae), Labcorp
Classification: Uncertain significance for Charcot-Marie-Tooth disease axonal type 2P. Last evaluated: 2020-02-09. Review status: criteria provided, single submitter. Criteria: Invitae Variant Classification Sherloc (09022015). Collection method: clinical testing. Allele origin: germline.
Comment: This variant is not present in population databases (ExAC no frequency). In summary, the available evidence is currently insufficient to determine the role of this variant in disease. Therefore, it has been classified as a Variant of Uncertain Significance. Algorithms developed to predict the effect of missense changes on protein structure and function are either unavailable or do not agree on the potential impact of this missense change (SIFT: "Deleterious"; PolyPhen-2: "Probably Damaging"; Align-GVGD: "Class C0"). This variant has not been reported in the literature in individuals with LRSAM1-related conditions. This sequence change replaces asparagine with histidine at codon 361 of the LRSAM1 protein (p.Asn361His). The asparagine residue is highly conserved and there is a small physicochemical difference between asparagine and histidine.

NM_001005373.4(LRSAM1):c.1081A>C (p.Asn361His)

Gene: LRSAM1 (leucine rich repeat and sterile alpha motif containing 1; plus strand). Cytogenetic location: 9q33.3.
Variant type: single nucleotide variant.
Coding change: c.1081A>C on transcript NM_001005373.4 (MANE Select); coding-DNA position 1081, A replaced by C.
Protein change: p.Asn361His; replaces asparagine 361 with histidine.
Molecular consequence: missense variant. On other transcripts: non-coding transcript variant (2).
Genome position (GRCh38, 1-based): chr9:127,481,220, A>C. VCF-style: chr9-127481220-A-C. GRCh37 (hg19) VCF-style: chr9-130243499-A-C.
Other names: c.1081A>C, p.Asn361His (NM_001005374.4, NM_001190723.3, NM_001384142.1 and 2 more transcripts); c.292A>C, p.Asn98His (NM_001384144.1); short protein forms N98H, N361H.
Identifiers: ClinVar variation 1034775 (VCV001034775.9), dbSNP rs1835524755, ClinGen allele CA374931938.